The following is an entry in ClinVar:

ClinVar aggregate classification (germline): Pathogenic (1 of 4 stars; one submission).

gnomAD v4.1: 1 of 1,607,518 alleles (0.000062%); highest among the groups gnomAD compares: Non-Finnish European, 0.000085%; no homozygotes.

Submission:

GeneDx
Classification: Pathogenic. Last evaluated: 2015-10-12. Review status: criteria provided, single submitter. Criteria: GeneDx Variant Classification (06012015). Collection method: clinical testing. Allele origin: germline. Affected: yes.
Comment: The Q12X pathogenic variant in the ACO2 gene has not been reported previously as a pathogenic variant nor as a benign variant, to our knowledge. This variant is predicted to cause loss of normal protein function either through protein truncation or nonsense-mediated mRNA decay. The Q12X variant was not observed in approximately 6500 individuals of European and African American ancestry in the NHLBI Exome Sequencing Project, indicating it is not a common benign variant in these populations. A protein truncating variant downstream of this variant has been reported in an individual with isolated optic atrophy in the Human Gene Mutation Database (Stenson et al., 2014), supporting the pathogenicity of more upstream truncating variants. We interpret Q12X as a pathogenic variant.

NM_001098.3(ACO2):c.34C>T (p.Gln12Ter)

Gene: ACO2 (aconitase 2; plus strand). Cytogenetic location: 22q13.2.
Variant type: single nucleotide variant.
Coding change: c.34C>T on transcript NM_001098.3 (MANE Select); coding-DNA position 34, C replaced by T.
Protein change: p.Gln12Ter; replaces glutamine 12 with a stop codon.
Molecular consequence: nonsense.
Genome position (GRCh38, 1-based): chr22:41,469,180, C>T. VCF-style: chr22-41469180-C-T. GRCh37 (hg19) VCF-style: chr22-41865184-C-T.
Other names: short protein forms Q12*.
Identifiers: ClinVar variation 430056 (VCV000430056.2), dbSNP rs1131691759, ClinGen allele CA411705611.